The following is an entry in ClinVar:

ClinVar aggregate classification (germline): Uncertain significance (1 of 4 stars; one submission).

Conditions:
Hereditary cancer-predisposing syndrome. Also called: Neoplastic Syndromes, Hereditary; Tumor predisposition; Hereditary Cancer Syndrome; Hereditary neoplastic syndrome. Identifiers: Orphanet 140162, MedGen C0027672, MeSH D009386, MONDO:0015356.

Submission:

Ambry Genetics
Classification: Uncertain significance for Hereditary cancer-predisposing syndrome. Last evaluated: 2026-05-14. Review status: criteria provided, single submitter. Criteria: Ambry Variant Classification Scheme 2023. Collection method: clinical testing. Allele origin: germline.
Comment: The p.M153I variant (also known as c.459G>T), located in coding exon 4 of the PRKAR1A gene, results from a G to T substitution at nucleotide position 459. The methionine at codon 153 is replaced by isoleucine, an amino acid with highly similar properties. This amino acid position is conserved. In addition, this alteration is predicted to be deleterious by in silico analysis. Based on the available evidence, the clinical significance of this variant remains unclear.

NM_002734.5(PRKAR1A):c.459G>T (p.Met153Ile)

Gene: PRKAR1A (protein kinase cAMP-dependent type I regulatory subunit alpha; plus strand). Cytogenetic location: 17q24.2.
Variant type: single nucleotide variant.
Coding change: c.459G>T on transcript NM_002734.5 (MANE Select); coding-DNA position 459, G replaced by T.
Protein change: p.Met153Ile; replaces methionine 153 with isoleucine.
Molecular consequence: missense variant.
Genome position (GRCh38, 1-based): chr17:68,524,034, G>T. VCF-style: chr17-68524034-G-T. GRCh37 (hg19) VCF-style: chr17-66520175-G-T.
Other names: c.459G>T, p.Met153Ile (NM_001276289.2, NM_001276290.1, NM_001278433.2 and 4 more transcripts); short protein forms M153I.
Identifiers: ClinVar variation 4862513 (VCV004862513.1).